The following is an entry in ClinVar:

NM_001134407.3(GRIN2A):c.4271T>C (p.Ile1424Thr)

Gene: GRIN2A (glutamate ionotropic receptor NMDA type subunit 2A; minus strand). Cytogenetic location: 16p13.2.
Variant type: single nucleotide variant.
Coding change: c.4271T>C on transcript NM_001134407.3 (MANE Select); coding-DNA position 4271, T replaced by C.
Protein change: p.Ile1424Thr; replaces isoleucine 1424 with threonine.
Molecular consequence: missense variant. On other transcripts: 3 prime UTR variant (1).
Genome position (GRCh38, 1-based): chr16:9,763,273, A>G on the plus strand (T>C on the coding strand, the complement: GRIN2A is on the minus strand). VCF-style: chr16-9763273-A-G. GRCh37 (hg19) VCF-style: chr16-9857130-A-G.
Other names: c.4271T>C, p.Ile1424Thr (NM_000833.5); c.*82T>C (NM_001134408.2); short protein forms I1424T.
Identifiers: ClinVar variation 2760898 (VCV002760898.3), dbSNP rs1900671238, ClinGen allele CA394705456.

ClinVar aggregate classification (germline): Uncertain significance (1 of 4 stars; one submission).

Conditions:
Landau-Kleffner syndrome (FESD). Also called: APHASIA, ACQUIRED, WITH EPILEPSY; EPILEPSY, FOCAL, WITH SPEECH DISORDER AND WITH OR WITHOUT MENTAL RETARDATION. Identifiers: Orphanet 1945, Orphanet 725, Orphanet 98818, MedGen C0282512, MONDO:0009509, OMIM 245570.

Allele frequency attached by ClinVar (database versions not stated): TOPMed below 0.00001.

Submission:

Labcorp Genetics (formerly Invitae), Labcorp
Classification: Uncertain significance for Landau-Kleffner syndrome. Last evaluated: 2023-09-15. Review status: criteria provided, single submitter. Criteria: Invitae Variant Classification Sherloc (09022015). Collection method: clinical testing. Allele origin: germline.
Comment: This sequence change replaces isoleucine, which is neutral and non-polar, with threonine, which is neutral and polar, at codon 1424 of the GRIN2A protein (p.Ile1424Thr). This variant is not present in population databases (gnomAD no frequency). This variant has not been reported in the literature in individuals affected with GRIN2A-related conditions. Advanced modeling of protein sequence and biophysical properties (such as structural, functional, and spatial information, amino acid conservation, physicochemical variation, residue mobility, and thermodynamic stability) performed at Invitae indicates that this missense variant is not expected to disrupt GRIN2A protein function. In summary, the available evidence is currently insufficient to determine the role of this variant in disease. Therefore, it has been classified as a Variant of Uncertain Significance.